The following is an entry in ClinVar:

ClinVar aggregate classification (germline): Uncertain significance (1 of 4 stars; one submission).

Conditions:
Cardiovascular phenotype. Identifiers: MedGen CN230736.

Allele frequency attached by ClinVar (database versions not stated): gnomAD exomes below 0.00001; TOPMed below 0.00001.
gnomAD v4.1: 2 of 1,550,214 alleles (0.00013%); highest among the groups gnomAD compares: East Asian, 0.0024%; no homozygotes.

Submission:

Ambry Genetics
Classification: Uncertain significance for Cardiovascular phenotype. Last evaluated: 2021-09-16. Review status: criteria provided, single submitter. Criteria: Ambry Variant Classification Scheme 2023. Collection method: clinical testing. Allele origin: germline.
Comment: The p.A3015T variant (also known as c.9043G>A), located in coding exon 2 of the ZNF469 gene, results from a G to A substitution at nucleotide position 9043. The alanine at codon 3015 is replaced by threonine, an amino acid with similar properties. This amino acid position is conserved. In addition, this alteration is predicted to be tolerated by in silico analysis. Since supporting evidence is limited at this time, the clinical significance of this alteration remains unclear.

NM_001367624.2(ZNF469):c.9127G>A (p.Ala3043Thr)

Gene: ZNF469 (zinc finger protein 469; plus strand). Cytogenetic location: 16q24.2.
Variant type: single nucleotide variant.
Coding change: c.9127G>A on transcript NM_001367624.2 (MANE Select); coding-DNA position 9127, G replaced by A.
Protein change: p.Ala3043Thr; replaces alanine 3043 with threonine.
Molecular consequence: missense variant.
Genome position (GRCh38, 1-based): chr16:88,436,597, G>A. VCF-style: chr16-88436597-G-A. GRCh37 (hg19) VCF-style: chr16-88503005-G-A.
Other names: NM_001127464.1:c.9043G>A; short protein forms A3043T.
Identifiers: ClinVar variation 1765583 (VCV001765583.2), dbSNP rs1906596521, ClinGen allele CA397120868.
Genomic context (GRCh38, chr16:88,436,597, plus strand): 5'-CTGGAGAGAGAACGCTGTGACGGTGGGCTTCCCGGGAACACCCACCTGCTGCCGCTCCGT[G>A]CCACGGACTTTGAGGTGCTCAGCACCAAGTTTGAGATGCAAGACCTGTGCTTTCTGGGAC-3'
Protein context (NP_001354553.1, residues 3033-3053): PGNTHLLPLR[Ala3043Thr]TDFEVLSTKF